The following is an entry in ClinVar:

NM_020843.4(SCAPER):c.3312-7T>C

Gene: SCAPER (S-phase cyclin A associated protein in the ER; minus strand). Cytogenetic location: 15q24.3.
Variant type: single nucleotide variant.
Coding change: c.3312-7T>C on transcript NM_020843.4 (MANE Select); 7 bases into the intron before coding-DNA position 3312, T replaced by C.
Molecular consequence: intron variant.
Genome position (GRCh38, 1-based): chr15:76,404,686, A>G on the plus strand (T>C on the coding strand, the complement: SCAPER is on the minus strand). VCF-style: chr15-76404686-A-G. GRCh37 (hg19) VCF-style: chr15-76697027-A-G.
Other names: c.2928-7T>C (NM_001353011.2); c.2910-7T>C (NM_001353012.2, NM_001353010.2); c.3330-7T>C (NM_001353009.2, NM_001353009.1); c.2574-7T>C (NM_001145923.2).
Identifiers: ClinVar variation 791102 (VCV000791102.7), dbSNP rs10152513, ClinGen allele CA7674462.

ClinVar aggregate classification (germline): Benign. Review status: criteria provided, multiple submitters, no conflicts (2 of 4 stars). 3 submissions from 3 submitters: Benign (2). 1 of the submissions does not count toward it. Last evaluated 2019-12-31.

Conditions:
SCAPER-related disorder. Also called: SCAPER-related condition.

Allele frequency attached by ClinVar (database versions not stated): gnomAD exomes 0.00071 and 0.00199; ExAC 0.00215; 1000 Genomes Project 0.00659; ESP Exome Variant Server 0.00677; gnomAD 0.00731 and 0.00799; 1000 Genomes Project 30x 0.00765; TOPMed 0.00813.
gnomAD v4.1: 2,180 of 1,607,848 alleles (0.14%); highest among the groups gnomAD compares: African/African-American, 2.5%; 28 homozygotes.

Submissions (3):

Labcorp Genetics (formerly Invitae), Labcorp
Classification: Benign. Last evaluated: 2019-12-31. Review status: criteria provided, single submitter. Criteria: Invitae Variant Classification Sherloc (09022015). Collection method: clinical testing. Allele origin: germline.

Breakthrough Genomics
Classification: Benign. Review status: criteria provided, single submitter. Criteria: ACMG Guidelines, 2015. Collection method: not provided. Allele origin: germline. Inheritance: Autosomal recessive inheritance. Affected: yes.

PreventionGenetics, part of Exact Sciences
Classification: Benign for SCAPER-related condition. Last evaluated: 2024-07-17. Review status: no assertion criteria provided. Collection method: clinical testing. Allele origin: germline. Not counted in ClinVar's aggregate classification.
Comment: This variant is classified as benign based on ACMG/AMP sequence variant interpretation guidelines (Richards et al. 2015 PMID: 25741868, with internal and published modifications).